The following is an entry in ClinVar:

NM_000083.3(CLCN1):c.1930+1G>A

Gene: CLCN1 (chloride voltage-gated channel 1; plus strand). Cytogenetic location: 7q34.
Variant type: single nucleotide variant.
Coding change: c.1930+1G>A on transcript NM_000083.3 (MANE Select); the canonical splice donor site of the intron after coding-DNA position 1930, G replaced by A.
Molecular consequence: splice donor variant.
Genome position (GRCh38, 1-based): chr7:143,342,506, G>A. VCF-style: chr7-143342506-G-A. GRCh37 (hg19) VCF-style: chr7-143039599-G-A.
Identifiers: ClinVar variation 585686 (VCV000585686.32), dbSNP rs771002652, ClinGen allele CA4537511.

ClinVar aggregate classification (germline): Pathogenic/Likely pathogenic. Review status: criteria provided, multiple submitters, no conflicts (2 of 4 stars). 5 submissions from 5 submitters: Pathogenic (2); Likely pathogenic (3). Last evaluated 2024-07-23.

Conditions:
Congenital myotonia, autosomal dominant form (THD). Also called: THOMSEN DISEASE; Myotonia congenita autosomal dominant. Identifiers: Orphanet 614, MedGen C2936781, MONDO:0008055, OMIM 160800.
Congenital myotonia, autosomal recessive form. Also called: Becker Generalized Myotonia; myotonia congenita, autosomal recessive; BECKER DISEASE. Identifiers: Orphanet 614, MedGen C0751360, MONDO:0009715, OMIM 255700.
CLCN1-related disorder. Also called: CLCN1-related condition.

Allele frequency attached by ClinVar (database versions not stated): TOPMed below 0.00001; gnomAD 0.00001; gnomAD exomes 0.00003; ExAC 0.00004.
gnomAD v4.1: 17 of 1,614,024 alleles (0.0011%); highest among the groups gnomAD compares: Non-Finnish European, 0.0013%; no homozygotes.

Submissions (5):

Blueprint Genetics
Classification: Likely pathogenic for CLCN1-related disorders. Last evaluated: 2024-07-23. Review status: criteria provided, single submitter. Criteria: ACMG Guidelines, 2015. Collection method: clinical testing. Allele origin: germline. Affected: yes. Observed: 1 variant allele.

CeGaT Center for Human Genetics Tuebingen
Classification: Pathogenic. Last evaluated: 2024-02-01. Review status: criteria provided, single submitter. Criteria: CeGaT Center For Human Genetics Tuebingen Variant Classification Criteria Version 2. Collection method: clinical testing. Allele origin: germline. Affected: yes. Observed: 1 variant allele.
Comment: CLCN1: PVS1, PM2

Labcorp Genetics (formerly Invitae), Labcorp
Classification: Likely pathogenic for Congenital myotonia, autosomal recessive form; Congenital myotonia, autosomal dominant form. Last evaluated: 2023-05-13. Review status: criteria provided, single submitter. Criteria: Invitae Variant Classification Sherloc (09022015). Collection method: clinical testing. Allele origin: germline.
Comment: This sequence change affects a donor splice site in intron 16 of the CLCN1 gene. It is expected to disrupt RNA splicing. Variants that disrupt the donor or acceptor splice site typically lead to a loss of protein function (PMID: 16199547), and loss-of-function variants in CLCN1 are known to be pathogenic (PMID: 17932099, 22094069, 23739125). This variant has not been reported in the literature in individuals affected with CLCN1-related conditions. This variant is present in population databases (rs771002652, gnomAD 0.006%). In summary, the currently available evidence indicates that the variant is pathogenic, but additional data are needed to prove that conclusively. Therefore, this variant has been classified as Likely Pathogenic. Algorithms developed to predict the effect of sequence changes on RNA splicing suggest that this variant may disrupt the consensus splice site. ClinVar contains an entry for this variant (Variation ID: 585686).

Revvity Omics, Revvity
Classification: Likely pathogenic. Last evaluated: 2021-07-06. Review status: criteria provided, single submitter. Criteria: ACMG Guidelines, 2015. Collection method: clinical testing. Allele origin: germline.

Athena Diagnostics
Classification: Pathogenic. Last evaluated: 2018-05-14. Review status: criteria provided, single submitter. Criteria: Athena Diagnostics Criteria. Collection method: clinical testing. Allele origin: germline.

Literature cited by the submitters: PubMed 16199547 (cited by Labcorp Genetics (formerly Invitae), Labcorp); PubMed 17932099 (cited by Labcorp Genetics (formerly Invitae), Labcorp); PubMed 22094069 (cited by Labcorp Genetics (formerly Invitae), Labcorp); PubMed 23739125 (cited by Labcorp Genetics (formerly Invitae), Labcorp).